The following is an entry in ClinVar:

NM_005912.3(MC4R):c.466C>T (p.Gln156Ter)

Gene: MC4R (melanocortin 4 receptor; minus strand). Cytogenetic location: 18q21.32.
Variant type: single nucleotide variant.
Coding change: c.466C>T on transcript NM_005912.3 (MANE Select); coding-DNA position 466, C replaced by T.
Protein change: p.Gln156Ter; replaces glutamine 156 with a stop codon.
Molecular consequence: nonsense.
Genome position (GRCh38, 1-based): chr18:60,371,884, G>A on the plus strand (C>T on the coding strand, the complement: MC4R is on the minus strand). VCF-style: chr18-60371884-G-A. GRCh37 (hg19) VCF-style: chr18-58039117-G-A.
Other names: short protein forms Q156*.
Identifiers: ClinVar variation 562356 (VCV000562356.9), dbSNP rs369841551, ClinGen allele CA301530037.

ClinVar aggregate classification (germline): Pathogenic/Likely pathogenic. Review status: criteria provided, multiple submitters, no conflicts (2 of 4 stars). 10 submissions from 10 submitters: Pathogenic (4); Likely pathogenic (4). 2 of the submissions do not count toward it. Last evaluated 2026-08-27.

Conditions:
MC4R-related disorder. Also called: MC4R-related condition.
Monogenic diabetes. Identifiers: Orphanet 183625, MedGen C3888631, MONDO:0015967.
Obesity. Also called: Obesity disorder. Identifiers: Orphanet 71529, MedGen C0028754, MeSH D009765, MONDO:0011122, HP:0001513.
BODY MASS INDEX QUANTITATIVE TRAIT LOCUS 20 (BMIQ20). Also called: MELANOCORTIN 4 RECEPTOR DEFICIENCY; MC4R DEFICIENCY. Identifiers: MedGen C4759928, OMIM 618406.

Allele frequency attached by ClinVar (database versions not stated): gnomAD 0.00001; TOPMed 0.00001.

Submissions (10):

GeneDx
Classification: Likely pathogenic. Last evaluated: 2026-08-27. Review status: criteria provided, single submitter. Criteria: GeneDx Variant Classification Process June 2021. Collection method: clinical testing. Allele origin: germline.
Comment: Identified in the heterozygous state in individuals with obesity in the published literature (PMID: 27654141, 32952152, 40523925, 41451896); Identified in an individual with kidney disease in the published literature, and information on body mass index was not provided (PMID: 30586318); Nonsense variant predicted to result in protein truncation, as the last 177 amino acids are lost, and other loss-of-function variants have been reported downstream in HGMD; Not observed at significant frequency in large population cohorts (gnomAD); This variant is associated with the following publications: (PMID: 31447099, 29568105, 32952152, 27654141, 30586318, 40523925, 41451896)

Institute of Human Genetics, Cologne University
Classification: Likely pathogenic for BODY MASS INDEX QUANTITATIVE TRAIT LOCUS 20. Last evaluated: 2026-01-15. Review status: criteria provided, single submitter. Criteria: ACMG Guidelines, 2015. Collection method: clinical testing. Allele origin: unknown. Affected: yes.

Labcorp Genetics (formerly Invitae), Labcorp
Classification: Pathogenic. Last evaluated: 2024-07-21. Review status: criteria provided, single submitter. Criteria: Invitae Variant Classification Sherloc (09022015). Collection method: clinical testing. Allele origin: germline.
Comment: This sequence change creates a premature translational stop signal (p.Gln156*) in the MC4R gene. While this is not anticipated to result in nonsense mediated decay, it is expected to disrupt the last 177 amino acid(s) of the MC4R protein. This variant is not present in population databases (gnomAD no frequency). This premature translational stop signal has been observed in individual(s) with obesity (PMID: 30586318). ClinVar contains an entry for this variant (Variation ID: 562356). This variant disrupts a region of the MC4R protein in which other variant(s) (p.Ile301Thr) have been determined to be pathogenic (PMID: 10903341, 12690102, 16507637, 16752916, 18559663). This suggests that this is a clinically significant region of the protein, and that variants that disrupt it are likely to be disease-causing. For these reasons, this variant has been classified as Pathogenic.

Fulgent Genetics
Classification: Likely pathogenic for BODY MASS INDEX QUANTITATIVE TRAIT LOCUS 20. Last evaluated: 2022-03-04. Review status: criteria provided, single submitter. Criteria: ACMG Guidelines, 2015. Collection method: clinical testing. Allele origin: unknown.

Institute of Human Genetics, University of Leipzig Medical Center
Classification: Likely pathogenic for BODY MASS INDEX QUANTITATIVE TRAIT LOCUS 20. Last evaluated: 2019-01-01. Review status: criteria provided, single submitter. Criteria: ACMG Guidelines, 2015. Collection method: clinical testing. Allele origin: unknown. Affected: yes.

Athena Diagnostics
Classification: Pathogenic. Last evaluated: 2018-02-19. Review status: criteria provided, single submitter. Criteria: Athena Diagnostics Criteria. Collection method: clinical testing. Allele origin: germline.

Translational Genomics Laboratory, University of Maryland School of Medicine
Classification: Pathogenic for Monogenic diabetes. Last evaluated: 2017-06-15. Review status: criteria provided, single submitter. Criteria: ACMG Guidelines, 2015. Collection method: clinical testing. Allele origin: germline. Affected: yes.
Comment: The c.466C>T variant in codon 156 (exon 1) of the melanocortin 4 receptor gene, MC4R, results in the generation of a stop codon and the expected loss of four of the seven transmembrane domains of the protein (10592235). The c.466C>T variant was not observed in the NHLBI Exome Sequencing Project, 1000 Genomes Project, or Exome Aggregation Consortium databases. Nonsense mutations in MC4R have been reported previously as autosomal dominant, monogenic causes of obesity (10199800, 12646665). All individuals found to have pathogenic mutations in MC4R in one study had severe hyperinsulinemia, even compared to obese controls (12646665). Additionally, multiple lines of computational evidence (SIFT, LRT, MutationTaster, CADD, GERP) predict this variant is probably damaging to the protein structure or function. ACMG criteria = PVS1, PM2, PP3

Human Genome Sequencing Center Clinical Lab, Baylor College of Medicine
Classification: Pathogenic for Inherited obesity. Last evaluated: 2017-01-18. Review status: criteria provided, single submitter. Criteria: ACMG Guidelines, 2015. Collection method: clinical testing. Allele origin: germline.
Comment: This c.466C>T (p.Gln156*) variant has not been observed in the ExAC database, nor has been observed in our patient cohort but has been reported in dbSNP (rs369841551) with a minor allele frequency of 0.00008. This c.466C>T encodes for a nonsense codon in exon 1 at amino acid position 156 of the MC4R protein. This premature stop codon is predicted to result in a loss of function of the protein. It is thus classify as a pathogenic variant.

PreventionGenetics, part of Exact Sciences
Classification: Pathogenic for MC4R-related condition. Last evaluated: 2024-02-06. Review status: no assertion criteria provided. Collection method: clinical testing. Allele origin: germline. Not counted in ClinVar's aggregate classification.
Comment: The MC4R c.466C>T variant is predicted to result in premature protein termination (p.Gln156*). This variant has been reported in an individual with obesity (Table 1, Vollbach et al. 2017. PubMed ID: 27654141; Kohlsdorf et al. 2018. PubMed ID: 29568105). Furthermore, truncating variants upstream and downstream of this variant have been reported in individuals with autosomal dominant obesity phenotypes (Farooqi et al. 2003. PubMed ID: 12646665; Wang et al. 2006. PubMed ID: 17185898). This variant has not been reported in a large population database, indicating this variant is rare. Nonsense variants in MC4R are expected to be pathogenic. This variant is interpreted as pathogenic.

Gharavi Laboratory, Columbia University
Classification: Likely pathogenic. Last evaluated: 2018-09-16. Review status: no assertion criteria provided. Criteria: ACMG Guidelines, 2015. Collection method: research. Allele origin: germline. Affected: yes. Not counted in ClinVar's aggregate classification.

Literature cited by the submitters: PubMed 30586318 (cited by Labcorp Genetics (formerly Invitae), Labcorp); PubMed 10903341 (cited by Labcorp Genetics (formerly Invitae), Labcorp); PubMed 12690102 (cited by Labcorp Genetics (formerly Invitae), Labcorp); PubMed 16507637 (cited by Labcorp Genetics (formerly Invitae), Labcorp); PubMed 16752916 (cited by Labcorp Genetics (formerly Invitae), Labcorp); PubMed 18559663 (cited by Labcorp Genetics (formerly Invitae), Labcorp); PubMed 27654141 (cited by Athena Diagnostics and Translational Genomics Laboratory, University of Maryland School of Medicine); PubMed 10592235 (cited by Translational Genomics Laboratory, University of Maryland School of Medicine); PubMed 10199800 (cited by Translational Genomics Laboratory, University of Maryland School of Medicine); PubMed 12646665 (cited by Translational Genomics Laboratory, University of Maryland School of Medicine).